The following is an entry in ClinVar:

ClinVar aggregate classification (germline): Uncertain significance (1 of 4 stars; one submission).

gnomAD v4.1: 1 of 1,613,626 alleles (0.000062%); highest among the groups gnomAD compares: Non-Finnish European, 0.000085%; no homozygotes.

Submission:

Labcorp Genetics (formerly Invitae), Labcorp
Classification: Uncertain significance. Last evaluated: 2022-07-05. Review status: criteria provided, single submitter. Criteria: Invitae Variant Classification Sherloc (09022015). Collection method: clinical testing. Allele origin: germline.
Comment: Algorithms developed to predict the effect of missense changes on protein structure and function (SIFT, PolyPhen-2, Align-GVGD) all suggest that this variant is likely to be tolerated. In summary, the available evidence is currently insufficient to determine the role of this variant in disease. Therefore, it has been classified as a Variant of Uncertain Significance. This variant is not present in population databases (gnomAD no frequency). This sequence change replaces glutamic acid, which is acidic and polar, with glycine, which is neutral and non-polar, at codon 98 of the AASS protein (p.Glu98Gly). This variant has not been reported in the literature in individuals affected with AASS-related conditions. ClinVar contains an entry for this variant (Variation ID: 1380085).

NM_005763.4(AASS):c.293A>G (p.Glu98Gly)

Gene: AASS (aminoadipate-semialdehyde synthase; minus strand). Cytogenetic location: 7q31.32.
Variant type: single nucleotide variant.
Coding change: c.293A>G on transcript NM_005763.4 (MANE Select); coding-DNA position 293, A replaced by G.
Protein change: p.Glu98Gly; replaces glutamic acid 98 with glycine.
Molecular consequence: missense variant.
Genome position (GRCh38, 1-based): chr7:122,129,455, T>C on the plus strand (A>G on the coding strand, the complement: AASS is on the minus strand). VCF-style: chr7-122129455-T-C. GRCh37 (hg19) VCF-style: chr7-121769509-T-C.
Other names: short protein forms E98G.
Identifiers: ClinVar variation 1380085 (VCV001380085.6), dbSNP rs2150550178, ClinGen allele CA369023724.
Genomic context (GRCh38, chr7:122,129,455, plus strand): 5'-GCCTCCTGAGCTTTTATTGTGTGGGAGAAAAATGCATAAGTCTTCCTGGACATTAATTTT[T>C]CCTCTGGAGGTCTTTTAACTCCTAAAATTAGACAAGCTTCAGAAATATCCTCCTGAAGAA-3'
Protein context (NP_005754.2, residues 88-108): LILGVKRPPE[Glu98Gly]KLMSRKTYAF